The following is an entry in ClinVar:

NM_014956.5(CEP164):c.3928CCCACC[3] (p.1310PT[3])

Gene: CEP164 (centrosomal protein 164; plus strand). Cytogenetic location: 11q23.3.
Variant type: Microsatellite.
Coding change: c.3928CCCACC[3] on transcript NM_014956.5 (MANE Select); three copies in a row of the 6-base unit CCCACC starting at c.3928; the reference has two copies in a row; one copy, 6 bases duplicated.
Protein change: p.1310PT[3].
Molecular consequence: inframe insertion.
Genome position (GRCh38, 1-based): chr11:117,409,803-117,409,808, CCCACC duplicated; duplicating any 6 consecutive bases within chr11:117,409,793-117,409,808 gives the same sequence; the position shown is the placement nearest the transcript's 3' end. VCF-style (leftmost placement, unchanged base first): chr11-117409792-G-GCACCCC. GRCh37 (hg19) VCF-style: chr11-117280508-G-GCACCCC.
Other names: c.3913CCCACC[3], p.1305PT[3] (NM_001271933.2); c.3934_3939dup6 (NM_014956.4).
Identifiers: ClinVar variation 1435098 (VCV001435098.6), dbSNP rs1555159397, ClinGen allele CA6295617.

ClinVar aggregate classification (germline): Uncertain significance. Review status: criteria provided, multiple submitters, no conflicts (2 of 4 stars). 2 submissions from 2 submitters: Uncertain significance (2). Last evaluated 2026-01-13.

Conditions:
CEP164-related disorder. Also called: CEP164-related condition.
Nephronophthisis 15 (NPHP15). Identifiers: Orphanet 3156, MedGen C3541853, MONDO:0013917, OMIM 614845.

Submissions (2):

PreventionGenetics, part of Exact Sciences
Classification: Uncertain significance for CEP164-related condition. Last evaluated: 2026-01-13. Review status: criteria provided, single submitter. Criteria: ACMG Guidelines, 2015. Collection method: clinical testing. Allele origin: germline.
Comment: The CEP164 c.3934_3939dup6 variant is predicted to result in an in-frame duplication (p.Pro1312_Thr1313dup). To our knowledge, this variant has not been reported in the literature. This variant is reported in 0.10% of alleles in individuals of South Asian descent in gnomAD. Although we suspect that this variant may be benign, at this time, the clinical significance of this variant is uncertain due to the absence of conclusive functional and genetic evidence.

Labcorp Genetics (formerly Invitae), Labcorp
Classification: Uncertain significance for Nephronophthisis 15. Last evaluated: 2022-08-21. Review status: criteria provided, single submitter. Criteria: Invitae Variant Classification Sherloc (09022015). Collection method: clinical testing. Allele origin: germline.
Comment: This variant, c.3934_3939dup, results in the insertion of 2 amino acid(s) of the CEP164 protein (p.Pro1312_Thr1313dup), but otherwise preserves the integrity of the reading frame. This variant is present in population databases (rs749695145, gnomAD 0.1%). This variant has not been reported in the literature in individuals affected with CEP164-related conditions. Experimental studies and prediction algorithms are not available or were not evaluated, and the functional significance of this variant is currently unknown. In summary, the available evidence is currently insufficient to determine the role of this variant in disease. Therefore, it has been classified as a Variant of Uncertain Significance.